The following is an entry in ClinVar:

ClinVar aggregate classification (germline): Conflicting classifications of pathogenicity. Review status: criteria provided, conflicting classifications (1 of 4 stars). 18 submissions from 17 submitters: Uncertain significance (12); Likely benign (2). 4 of the submissions do not count toward it. Last evaluated 2026-01-15.

Conditions:
Dilated cardiomyopathy 1D. Identifiers: Orphanet 154, Orphanet 54260, MedGen C1832243, MONDO:0011095, OMIM 601494.
Hypertrophic cardiomyopathy 2. Also called: TNNT2-Related Familial Hypertrophic Cardiomyopathy. Identifiers: MedGen C1861864, MONDO:0007266, OMIM 115195.
Cardiovascular phenotype. Identifiers: MedGen CN230736.
Cardiomyopathy, familial restrictive, 3. Identifiers: Orphanet 75249, MedGen C2676271, MONDO:0012900, OMIM 612422.
Cardiomyopathy (CMYO). Also called: Cardiomyopathies. Identifiers: Orphanet 167848, MedGen C0878544, MONDO:0004994, HP:0001638. Inheritance: Various modes of inheritance.
Primary familial hypertrophic cardiomyopathy (HCM). Identifiers: Orphanet 99739, MedGen C0949658, MeSH D024741, MONDO:0024573. Inheritance: Various modes of inheritance.

Allele frequency attached by ClinVar (database versions not stated): gnomAD 0.00007; ESP Exome Variant Server 0.00008; TOPMed 0.00009; gnomAD exomes 0.00021 and 0.00022; ExAC 0.00033.
gnomAD v4.1: 309 of 1,614,050 alleles (0.019%); highest among the groups gnomAD compares: Non-Finnish European, 0.025%; no homozygotes.

Submissions 1 to 7 of 18:

Labcorp Genetics (formerly Invitae), Labcorp
Classification: Uncertain significance for Cardiomyopathy, familial restrictive, 3; Hypertrophic cardiomyopathy 2; Dilated cardiomyopathy 1D. Last evaluated: 2026-01-15. Review status: criteria provided, single submitter. Criteria: Invitae Variant Classification Sherloc (09022015). Collection method: clinical testing. Allele origin: germline.
Comment: This sequence change replaces glutamic acid, which is acidic and polar, with aspartic acid, which is acidic and polar, at codon 244 of the TNNT2 protein (p.Glu244Asp). This variant is present in population databases (rs45466197, gnomAD 0.05%), and has an allele count higher than expected for a pathogenic variant. This missense change has been observed in individual(s) with hypertrophic cardiomyopathy and dilated cardiomyopathy (PMID: 7898523, 19412328, 29121657, 30565988, 37652022). This variant is also known as E251D, E254D. ClinVar contains an entry for this variant (Variation ID: 43667). Invitae Evidence Modeling of protein sequence and biophysical properties (such as structural, functional, and spatial information, amino acid conservation, physicochemical variation, residue mobility, and thermodynamic stability) indicates that this missense variant is not expected to disrupt TNNT2 protein function with a negative predictive value of 80%. Experimental studies are conflicting or provide insufficient evidence to determine the effect of this variant on TNNT2 function (PMID: 10085122, 10467159, 10497196, 14722098, 19275886, 30565988). In summary, the available evidence is currently insufficient to determine the role of this variant in disease. Therefore, it has been classified as a Variant of Uncertain Significance.

GeneDx
Classification: Uncertain significance. Last evaluated: 2025-10-14. Review status: criteria provided, single submitter. Criteria: GeneDx Variant Classification Process June 2021. Collection method: clinical testing. Allele origin: germline. Affected: yes.
Comment: In silico analysis supports that this missense variant has a deleterious effect on protein structure/function; This variant is associated with the following publications: (PMID: 7898523, 19412328, 28352236, 23299917, 19293840, 20215591, 19473338, 29121657, 14722098, 20031601, 25637381, 19275886, 10085122, 26774798, 27493864, 21483645, 30565988, 33025817, 10467159, 32429250, 30847666, 10497196, 37937776, 37652022, 36129056)

Women's Health and Genetics/Laboratory Corporation of America, LabCorp
Classification: Uncertain significance. Last evaluated: 2025-06-23. Review status: criteria provided, single submitter. Criteria: LabCorp Variant Classification Summary - May 2015. Collection method: clinical testing. Allele origin: germline.
Comment: Variant summary: TNNT2 c.732G>T (p.Glu244Asp) results in a conservative amino acid change in the encoded protein sequence. Algorithms developed to predict the effect of missense changes on protein structure and function are either unavailable or do not agree on the potential impact of this missense change. The variant allele was found at a frequency of 0.00022 in 251480 control chromosomes, predominantly at a frequency of 0.00048 within the Non-Finnish European subpopulation in the gnomAD database. The observed variant frequency within Non-Finnish European control individuals in the gnomAD database is approximately 2.74 fold of the estimated maximal expected allele frequency for a pathogenic variant in TNNT2 causing Cardiomyopathy phenotype (0.00018), suggesting that the variant is a benign polymorphism found primarily in populations of Non-Finnish European origin. c.732G>T has been reported in the literature in one individual affected with Hypertrophic Cardiomyopathy (Watkins 1995) and in another individual with Dilated Cardiomyopathy, who also had another variant of unknown significance in the TPM1 gene (Hershberger 2008, Hershberger 2009, Rampersaud 2011). In none of these cases the variant was seen in family members. Therefore, these reports do not provide unequivocal conclusions about association of the variant with Cardiomyopathy. This variant is also known as E251D, E254D. Several publications reported experimental evidence evaluating an impact on protein function. Some studies showed the variant changed the normal protein function: where mutated protein increased the maximum level of ATPase activity with either increasing (Nakaura 1999) but did not affect Ca2+ sensitivity (Yanaga 1999, Harada 2004, Matsumoto 2009), variant caused abnormal troponin function, i.e. impaired troponin binding to the thin filament (Tobacman 1999) and disturbed the protein conformation (Matsuo 2015). While other studies demonstrated no damaging effect from this variant (examples: Lv_ 2018, Pettinato_ 2020). The following publications have been ascertained in the context of this evaluation (PMID: 25637381, 14722098, 20031601, 19412328, 19275886, 27493864, 10467159, 21483645, 10497196, 29121657, 7898523, 10085122, 30565988, 33025817, 36129056, 35629155, 37652022). ClinVar contains an entry for this variant (Variation ID: 43667). Based on the evidence outlined above, the variant was classified as VUS-possibly benign.

Blueprint Genetics
Classification: Likely benign. Last evaluated: 2024-11-22. Review status: criteria provided, single submitter. Criteria: ACMG Guidelines, 2015. Collection method: clinical testing. Allele origin: germline.

All of Us Research Program, National Institutes of Health
Classification: Uncertain significance for Cardiomyopathy. Last evaluated: 2024-09-11. Review status: criteria provided, single submitter. Criteria: ACMG Guidelines, 2015. Collection method: clinical testing. Allele origin: germline. Inheritance: Autosomal dominant inheritance. Observed: 36 variant alleles, 36 heterozygotes.
Comment: This missense variant replaces glutamic acid with aspartic acid at codon 244 of the TNNT2 protein. Computational prediction suggests that this variant may have a deleterious impact on protein structure and function (internally defined REVEL score threshold >= 0.7, PMID: 27666373). Experimental functional studies have shown that the variant does not cause changes in Ca2+ sensitivity of force development but increases maximal force development (PMID: 10085122, 10467159, 14722098, 19293840). Clinical relevance of this observation is not clear. This variant has been reported in individuals affected with hypertrophic cardiomyopathy (PMID: 7898523, 30565988), in individuals affected with dilated cardiomyopathy (PMID: 19412328, 20031601, 21483645), and in an individual affected with arrhythmogenic right ventricular cardiomyopathy (PMID: 30847666). This variant has been identified in 58/282838 chromosomes in the general population by the Genome Aggregation Database (gnomAD). Although this variant allele frequency is thought to be higher than expected for TNNT2-related disorders, additional studies are necessary to determine the role of this variant in disease conclusively. Therefore, this variant is classified as a Variant of Uncertain Significance.

This study involves interpretation of variants in research participants for the purpose of population health screening. Participant phenotype was not available at the time of variant classification. Additional details can be found in publication PMID: 35346344, PMCID: PMC8962531

Color Diagnostics, LLC DBA Color Health
Classification: Uncertain significance for Cardiomyopathy. Last evaluated: 2024-05-13. Review status: criteria provided, single submitter. Criteria: ACMG Guidelines, 2015. Collection method: clinical testing. Allele origin: germline.
Comment: This missense variant replaces glutamic acid with aspartic acid at codon 244 of the TNNT2 protein. Computational prediction tools indicate that this variant has a deleterious impact on protein structure and function. Experimental functional studies have shown that the variant does not cause changes in Ca2+ sensitivity of force development but increases maximal force development (PMID: 10085122, 10467159, 14722098, 19293840). Clinical relevance of this observation is not clear. This variant has been reported in two individuals affected with hypertrophic cardiomyopathy (PMID: 7898523, 30565988), in three individuals affected with dilated cardiomyopathy (PMID: 19412328, 20031601, 21483645), and in one individual affected with arrhythmogenic right ventricular cardiomyopathy (PMID: 30847666). This variant has been identified in 58/282838 chromosomes in the general population by the Genome Aggregation Database (gnomAD). Although this variant allele frequency is thought to be higher than expected for TNNT2-related disorders, additional studies are necessary to determine the role of this variant in disease conclusively. Therefore, this variant is classified as a Variant of Uncertain Significance.

Fulgent Genetics
Classification: Uncertain significance for Hypertrophic cardiomyopathy 2; Dilated cardiomyopathy 1D; Cardiomyopathy, familial restrictive, 3. Last evaluated: 2023-12-29. Review status: criteria provided, single submitter. Criteria: ACMG Guidelines, 2015. Collection method: clinical testing. Allele origin: germline.

NM_001276345.2(TNNT2):c.762G>T (p.Glu254Asp)

Gene: TNNT2 (troponin T2, cardiac type; minus strand). Cytogenetic location: 1q32.1.
Variant type: single nucleotide variant.
Coding change: c.762G>T on transcript NM_001276345.2 (MANE Select); coding-DNA position 762, G replaced by T.
Protein change: p.Glu254Asp; replaces glutamic acid 254 with aspartic acid.
Molecular consequence: missense variant.
Genome position (GRCh38, 1-based): chr1:201,361,327, C>A on the plus strand (G>T on the coding strand, the complement: TNNT2 is on the minus strand). VCF-style: chr1-201361327-C-A. GRCh37 (hg19) VCF-style: chr1-201330455-C-A.
Other names: c.753G>T, p.Glu251Asp (NM_000364.4); c.732G>T, p.Glu244Asp (NM_001001430.3, NM_001276347.2); c.723G>T, p.Glu241Asp (NM_001001431.3); c.714G>T, p.Glu238Asp (NM_001001432.3); c.633G>T, p.Glu211Asp (NM_001276346.2); short protein forms E244D, E251D, E211D, E238D, E241D, E254D.
Identifiers: ClinVar variation 43667 (VCV000043667.46), dbSNP rs45466197, ClinGen allele CA090003.